The following is an entry in ClinVar:

ClinVar aggregate classification (germline): Uncertain significance (1 of 4 stars; one submission).

Submission:

Labcorp Genetics (formerly Invitae), Labcorp
Classification: Uncertain significance. Last evaluated: 2024-09-04. Review status: criteria provided, single submitter. Criteria: Invitae Variant Classification Sherloc (09022015). Collection method: clinical testing. Allele origin: germline.
Comment: This sequence change replaces arginine, which is basic and polar, with leucine, which is neutral and non-polar, at codon 236 of the SLC25A4 protein (p.Arg236Leu). This variant is not present in population databases (gnomAD no frequency). This variant has not been reported in the literature in individuals affected with SLC25A4-related conditions. Invitae Evidence Modeling of protein sequence and biophysical properties (such as structural, functional, and spatial information, amino acid conservation, physicochemical variation, residue mobility, and thermodynamic stability) indicates that this missense variant is expected to disrupt SLC25A4 protein function with a positive predictive value of 80%. In summary, the available evidence is currently insufficient to determine the role of this variant in disease. Therefore, it has been classified as a Variant of Uncertain Significance.

NM_001151.4(SLC25A4):c.707G>T (p.Arg236Leu)

Gene: SLC25A4 (solute carrier family 25 member 4; plus strand). Cytogenetic location: 4q35.1.
Variant type: single nucleotide variant.
Coding change: c.707G>T on transcript NM_001151.4 (MANE Select); coding-DNA position 707, G replaced by T.
Protein change: p.Arg236Leu; replaces arginine 236 with leucine.
Molecular consequence: missense variant.
Genome position (GRCh38, 1-based): chr4:185,145,867, G>T. VCF-style: chr4-185145867-G-T. GRCh37 (hg19) VCF-style: chr4-186067021-G-T.
Other names: short protein forms R236L.
Identifiers: ClinVar variation 3663619 (VCV003663619.2).